The following is an entry in ClinVar:

NM_001347886.2(DNAH3):c.9016C>T (p.Arg3006Cys)

Gene: DNAH3 (dynein axonemal heavy chain 3; minus strand). Cytogenetic location: 16p12.3.
Variant type: single nucleotide variant.
Coding change: c.9016C>T on transcript NM_001347886.2 (MANE Select); coding-DNA position 9016, C replaced by T.
Protein change: p.Arg3006Cys; replaces arginine 3006 with cysteine.
Molecular consequence: missense variant.
Genome position (GRCh38, 1-based): chr16:20,964,730, G>A on the plus strand (C>T on the coding strand, the complement: DNAH3 is on the minus strand). VCF-style: chr16-20964730-G-A. GRCh37 (hg19) VCF-style: chr16-20976052-G-A.
Other names: c.9154C>T, p.Arg3052Cys (NM_017539.2); short protein forms R3006C, R3052C.
Identifiers: ClinVar variation 4883245 (VCV004883245.2).

ClinVar aggregate classification (germline): Uncertain significance (1 of 4 stars; one submission).

gnomAD v4.1: 50 of 1,614,002 alleles (0.0031%); highest among the groups gnomAD compares: Admixed American, 0.013%; no homozygotes.

Submission:

Dasa
Classification: Uncertain significance. Last evaluated: 2026-03-28. Review status: criteria provided, single submitter. Criteria: DASA Assertion Criteria. Collection method: clinical testing. Allele origin: germline.
Comment: NM_001347886.2(DNAH3):c.9016C>T (p.Arg3006Cys) is a missense variant that results in the substitution of arginine with cysteine. This variant is rare in population databases. Computational prediction algorithms are consistent with a deleterious effect. The currently available literature and clinical evidence are not sufficient to establish a definitive association between this variant and the reported condition. Therefore, this variant is classified as a variant of uncertain significance.